The following is an entry in ClinVar:

NM_014345.3(ZNF318):c.6639G>A (p.Ser2213=)

Gene: ZNF318 (zinc finger protein 318; minus strand). Cytogenetic location: 6p21.1.
Variant type: single nucleotide variant.
Coding change: c.6639G>A on transcript NM_014345.3 (MANE Select); coding-DNA position 6639, G replaced by A.
Protein change: p.Ser2213=; no amino-acid change (serine 2213 retained).
Molecular consequence: synonymous variant.
Genome position (GRCh38, 1-based): chr6:43,337,359, C>T on the plus strand (G>A on the coding strand, the complement: ZNF318 is on the minus strand). VCF-style: chr6-43337359-C-T. GRCh37 (hg19) VCF-style: chr6-43305097-C-T.
Identifiers: ClinVar variation 777809 (VCV000777809.28), dbSNP rs139964158, ClinGen allele CA3821060.

ClinVar aggregate classification (germline): Benign/Likely benign. Review status: criteria provided, multiple submitters, no conflicts (2 of 4 stars). 2 submissions from 2 submitters: Benign (1); Likely benign (1). Last evaluated 2022-10-01.

Allele frequency attached by ClinVar (database versions not stated): ExAC 0.00199; ESP Exome Variant Server 0.00238; 1000 Genomes Project 0.00080; 1000 Genomes Project 30x 0.00094; gnomAD 0.00158 and 0.00163; TOPMed 0.00167.
gnomAD v4.1: 2,594 of 1,614,102 alleles (0.16%); highest among the groups gnomAD compares: Middle Eastern, 2.9%; 24 homozygotes.

Submissions (2):

CeGaT Center for Human Genetics Tuebingen
Classification: Likely benign. Last evaluated: 2022-10-01. Review status: criteria provided, single submitter. Criteria: CeGaT Center For Human Genetics Tuebingen Variant Classification Criteria Version 2. Collection method: clinical testing. Allele origin: germline. Affected: yes. Observed: 1 variant allele.
Comment: ZNF318: BP4, BP7

Labcorp Genetics (formerly Invitae), Labcorp
Classification: Benign. Last evaluated: 2019-12-31. Review status: criteria provided, single submitter. Criteria: Invitae Variant Classification Sherloc (09022015). Collection method: clinical testing. Allele origin: germline.